The following is an entry in ClinVar:

ClinVar aggregate classification (germline): Uncertain significance (1 of 4 stars; one submission).

Conditions:
Neurodevelopmental disorder with poor growth and behavioral abnormalities (NEDGBA). Identifiers: MedGen C5830273, MONDO:0859377, OMIM 620242.

Submission:

Laboratorio de Genetica e Diagnostico Molecular, Hospital Israelita Albert Einstein
Classification: Uncertain significance for Neurodevelopmental disorder with poor growth and behavioral abnormalities. Last evaluated: 2026-02-13. Review status: criteria provided, single submitter. Criteria: ACMG Guidelines, 2015. Collection method: clinical testing. Allele origin: germline. Affected: yes.
Comment: ACMG classification criteria: PM2 supporting, BP4 supporting

NM_006045.3(ATP9A):c.437-4599A>T

Gene: ATP9A (ATPase phospholipid transporting 9A; minus strand). Cytogenetic location: 20q13.2.
Variant type: single nucleotide variant.
Coding change: c.437-4599A>T on transcript NM_006045.3 (MANE Select); 4599 bases into the intron before coding-DNA position 437, A replaced by T.
Molecular consequence: intron variant.
Genome position (GRCh38, 1-based): chr20:51,702,081, T>A on the plus strand (A>T on the coding strand, the complement: ATP9A is on the minus strand). VCF-style: chr20-51702081-T-A. GRCh37 (hg19) VCF-style: chr20-50318620-T-A.
Identifiers: ClinVar variation 4846937 (VCV004846937.1).